The following is an entry in ClinVar:

NM_024079.5(ALG8):c.685C>T (p.Arg229Ter)

Gene: ALG8 (ALG8 alpha-1,3-glucosyltransferase; minus strand). Cytogenetic location: 11q14.1.
Variant type: single nucleotide variant.
Coding change: c.685C>T on transcript NM_024079.5 (MANE Select); coding-DNA position 685, C replaced by T.
Protein change: p.Arg229Ter; replaces arginine 229 with a stop codon.
Molecular consequence: nonsense.
Genome position (GRCh38, 1-based): chr11:78,113,978, G>A on the plus strand (C>T on the coding strand, the complement: ALG8 is on the minus strand). VCF-style: chr11-78113978-G-A. GRCh37 (hg19) VCF-style: chr11-77825024-G-A.
Other names: c.685C>T, p.Arg229Ter (NM_001007027.3); short protein forms R229*.
Identifiers: ClinVar variation 1328207 (VCV001328207.28), dbSNP rs533704173, ClinGen allele CA6203369.

ClinVar aggregate classification (germline): Pathogenic/Likely pathogenic. Review status: criteria provided, multiple submitters, no conflicts (2 of 4 stars). 6 submissions from 6 submitters: Pathogenic (1); Likely pathogenic (2). 3 of the submissions do not count toward it. Last evaluated 2026-06-10.

Conditions:
Polycystic liver disease 3 with or without kidney cysts. Identifiers: MedGen C4693472, MONDO:0054743, OMIM 617874.
ALG8 congenital disorder of glycosylation. Also called: CONGENITAL DISORDER OF GLYCOSYLATION, TYPE Ih; CDG Ih; ALG8-CDG. Identifiers: Orphanet 79325, MedGen C2931002, MONDO:0011969, OMIM 608104.
Autosomal dominant polycystic liver disease. Also called: Polycystic liver disease; Congenital cystic disease of liver. Identifiers: Orphanet 2924, MedGen C0158683, MONDO:0000447, HP:0006557.

Allele frequency attached by ClinVar (database versions not stated): gnomAD 0.00003 and 0.00004; gnomAD exomes 0.00003 and 0.00002; ExAC 0.00001; TOPMed 0.00002.
gnomAD v4.1: 46 of 1,601,470 alleles (0.0029%); highest among the groups gnomAD compares: Non-Finnish European, 0.0037%; no homozygotes.

Submissions (6):

Victorian Clinical Genetics Services, Murdoch Childrens Research Institute
Classification: Pathogenic for Polycystic liver disease 3 with or without kidney cysts. Last evaluated: 2026-06-10. Review status: criteria provided, single submitter. Criteria: ACMG Guidelines, 2015. Collection method: clinical testing. Allele origin: germline. Affected: yes.
Comment: This variant is classified as Pathogenic. Evidence in support of pathogenic classification: Variant is predicted to cause nonsense-mediated decay (NMD) and loss of protein (premature termination codon is located at least 54 nucleotides upstream of the final exon-exon junction); Variant is present in gnomAD <0.01 (v4: 46 heterozygote(s), 0 homozygote(s)). - This variant has strong previous evidence of pathogenicity in unrelated individuals. This variant has been classified as pathogenic and likely pathogenic by clinical laboratories in ClinVar. It has also been reported in the literature in individuals with polycystic liver disease (PMID: 37628703); Other NMD-predicted variant(s) comparable to the one identified in this case have very strong previous evidence for pathogenicity (DECIPHER, PMID: 37628703). Additional information: This variant is heterozygous; This gene is associated with both recessive and dominant disease. The same variants have been reported to cause both conditions (PMID: 28375157, 26066342); Loss of function is a known mechanism of disease in this gene and is associated with congenital disorder of glycosylation, type Ih (MIM#608104) and polycystic liver disease 3 with or without kidney cysts (MIM#617874); Variants in this gene are known to have variable expressivity (OMIM); Inheritance information for this variant is not currently available in this individual.

Fulgent Genetics
Classification: Likely pathogenic for ALG8 congenital disorder of glycosylation; Polycystic liver disease 3 with or without kidney cysts. Last evaluated: 2024-03-07. Review status: criteria provided, single submitter. Criteria: ACMG Guidelines, 2015. Collection method: clinical testing. Allele origin: germline.

Revvity Omics, Revvity
Classification: Likely pathogenic. Last evaluated: 2023-07-14. Review status: criteria provided, single submitter. Criteria: ACMG Guidelines, 2015. Collection method: clinical testing. Allele origin: germline.

Laboratory of Gastroenterology and Hepatology, Radboud University Medical Center
Classification: Pathogenic for Isolated polycystic liver disease. Last evaluated: 2021-06-08. Review status: no assertion criteria provided. Collection method: research. Allele origin: germline. Affected: yes. Not counted in ClinVar's aggregate classification.

Clinical Genetics DNA and cytogenetics Diagnostics Lab, Erasmus MC, Erasmus Medical Center
Classification: Pathogenic. Review status: no assertion criteria provided. Collection method: clinical testing. Allele origin: germline. Affected: yes. Study: VKGL Data-share Consensus. Not counted in ClinVar's aggregate classification.

Diagnostic Laboratory, Department of Genetics, University Medical Center Groningen
Classification: Pathogenic. Review status: no assertion criteria provided. Collection method: clinical testing. Allele origin: germline. Affected: yes. Study: VKGL Data-share Consensus. Not counted in ClinVar's aggregate classification.

Literature cited by the submitters: PubMed 26066342 (cited by Victorian Clinical Genetics Services, Murdoch Childrens Research Institute); PubMed 37628703 (cited by Victorian Clinical Genetics Services, Murdoch Childrens Research Institute); PubMed 28375157 (cited by Victorian Clinical Genetics Services, Murdoch Childrens Research Institute).